The following is an entry in ClinVar:

NM_001042472.3(ABHD12):c.1075G>A (p.Val359Ile)

Gene: ABHD12 (abhydrolase domain containing 12, lysophospholipase; minus strand). Cytogenetic location: 20p11.21.
Variant type: single nucleotide variant.
Coding change: c.1075G>A on transcript NM_001042472.3 (MANE Select); coding-DNA position 1075, G replaced by A.
Protein change: p.Val359Ile; replaces valine 359 with isoleucine.
Molecular consequence: missense variant.
Genome position (GRCh38, 1-based): chr20:25,302,301, C>T on the plus strand (G>A on the coding strand, the complement: ABHD12 is on the minus strand). VCF-style: chr20-25302301-C-T. GRCh37 (hg19) VCF-style: chr20-25282937-C-T.
Other names: c.1075G>A, p.Val359Ile (NM_015600.5); short protein forms V359I.
Identifiers: ClinVar variation 1008779 (VCV001008779.7), dbSNP rs898798041, ClinGen allele CA313712896.

ClinVar aggregate classification (germline): Uncertain significance (1 of 4 stars; one submission).

Allele frequency attached by ClinVar (database versions not stated): gnomAD 0.00001; TOPMed 0.00002.
gnomAD v4.1: 3 of 1,613,734 alleles (0.00019%); highest among the groups gnomAD compares: African/African-American, 0.0013%; no homozygotes.

Submission:

Labcorp Genetics (formerly Invitae), Labcorp
Classification: Uncertain significance. Last evaluated: 2022-09-01. Review status: criteria provided, single submitter. Criteria: Invitae Variant Classification Sherloc (09022015). Collection method: clinical testing. Allele origin: germline.
Comment: This sequence change replaces valine, which is neutral and non-polar, with isoleucine, which is neutral and non-polar, at codon 359 of the ABHD12 protein (p.Val359Ile). This variant is not present in population databases (gnomAD no frequency). This variant has not been reported in the literature in individuals affected with ABHD12-related conditions. ClinVar contains an entry for this variant (Variation ID: 1008779). Algorithms developed to predict the effect of missense changes on protein structure and function are either unavailable or do not agree on the potential impact of this missense change (SIFT: "Tolerated"; PolyPhen-2: "Probably Damaging"; Align-GVGD: "Class C0"). In summary, the available evidence is currently insufficient to determine the role of this variant in disease. Therefore, it has been classified as a Variant of Uncertain Significance.